The following is an entry in ClinVar:

ClinVar aggregate classification (germline): Uncertain significance. Review status: criteria provided, multiple submitters, no conflicts (2 of 4 stars). 2 submissions from 2 submitters: Uncertain significance (2). Last evaluated 2025-06-29.

Submissions (2):

Ambry Genetics
Classification: Uncertain significance. Last evaluated: 2025-06-29. Review status: criteria provided, single submitter. Criteria: Ambry Variant Classification Scheme 2023. Collection method: clinical testing. Allele origin: germline.

Labcorp Genetics (formerly Invitae), Labcorp
Classification: Uncertain significance. Last evaluated: 2023-08-30. Review status: criteria provided, single submitter. Criteria: Invitae Variant Classification Sherloc (09022015). Collection method: clinical testing. Allele origin: germline.
Comment: In summary, the available evidence is currently insufficient to determine the role of this variant in disease. Therefore, it has been classified as a Variant of Uncertain Significance. An algorithm developed to predict the effect of missense changes on protein structure and function (PolyPhen-2) suggests that this variant is likely to be disruptive. ClinVar contains an entry for this variant (Variation ID: 1471028). This variant has not been reported in the literature in individuals affected with CEP250-related conditions. This variant is not present in population databases (gnomAD no frequency). This sequence change replaces glutamic acid, which is acidic and polar, with glutamine, which is neutral and polar, at codon 1887 of the CEP250 protein (p.Glu1887Gln).

NM_007186.6(CEP250):c.5659G>C (p.Glu1887Gln)

Gene: CEP250 (centrosomal protein 250; plus strand). Cytogenetic location: 20q11.22.
Variant type: single nucleotide variant.
Coding change: c.5659G>C on transcript NM_007186.6 (MANE Select); coding-DNA position 5659, G replaced by C.
Protein change: p.Glu1887Gln; replaces glutamic acid 1887 with glutamine.
Molecular consequence: missense variant.
Genome position (GRCh38, 1-based): chr20:35,504,028, G>C. VCF-style: chr20-35504028-G-C. GRCh37 (hg19) VCF-style: chr20-34091856-G-C.
Other names: c.3763G>C, p.Glu1255Gln (NM_001318219.1); c.5659G>C (NM_007186.3); short protein forms E1887Q, E1255Q.
Identifiers: ClinVar variation 1471028 (VCV001471028.7), dbSNP rs147660483, ClinGen allele CA408754184.